The following is an entry in ClinVar:

ClinVar aggregate classification (germline): Uncertain significance. Review status: criteria provided, multiple submitters, no conflicts (2 of 4 stars). 2 submissions from 2 submitters: Uncertain significance (2). Last evaluated 2025-05-21.

Conditions:
Inborn genetic diseases. Identifiers: MedGen C0950123, MeSH D030342.

Allele frequency attached by ClinVar (database versions not stated): gnomAD 0.00003; ESP Exome Variant Server 0.00008.
gnomAD v4.1: 13 of 1,611,064 alleles (0.00081%); highest among the groups gnomAD compares: African/African-American, 0.016%; 1 homozygote.

Submissions (2):

Ambry Genetics
Classification: Uncertain significance for Inborn genetic diseases. Last evaluated: 2025-05-21. Review status: criteria provided, single submitter. Criteria: Ambry Variant Classification Scheme 2023. Collection method: clinical testing. Allele origin: germline.

Labcorp Genetics (formerly Invitae), Labcorp
Classification: Uncertain significance. Last evaluated: 2024-04-17. Review status: criteria provided, single submitter. Criteria: Invitae Variant Classification Sherloc (09022015). Collection method: clinical testing. Allele origin: germline.
Comment: This sequence change replaces tyrosine, which is neutral and polar, with histidine, which is basic and polar, at codon 523 of the PLAA protein (p.Tyr523His). This variant is present in population databases (rs373582820, gnomAD 0.02%). This variant has not been reported in the literature in individuals affected with PLAA-related conditions. ClinVar contains an entry for this variant (Variation ID: 1508932). An algorithm developed to predict the effect of missense changes on protein structure and function (PolyPhen-2) suggests that this variant¬†is likely to be tolerated. In summary, the available evidence is currently insufficient to determine the role of this variant in disease. Therefore, it has been classified as a Variant of Uncertain Significance.

NM_001031689.3(PLAA):c.1567T>C (p.Tyr523His)

Gene: PLAA (phospholipase A2 activating protein; minus strand). Cytogenetic location: 9p21.2.
Variant type: single nucleotide variant.
Coding change: c.1567T>C on transcript NM_001031689.3 (MANE Select); coding-DNA position 1567, T replaced by C.
Protein change: p.Tyr523His; replaces tyrosine 523 with histidine.
Molecular consequence: missense variant.
Genome position (GRCh38, 1-based): chr9:26,910,428, A>G on the plus strand (T>C on the coding strand, the complement: PLAA is on the minus strand). VCF-style: chr9-26910428-A-G. GRCh37 (hg19) VCF-style: chr9-26910426-A-G.
Other names: c.1498T>C, p.Tyr500His (NM_001321546.2); c.1567T>C (NM_001031689.2); short protein forms Y500H, Y523H.
Identifiers: ClinVar variation 1508932 (VCV001508932.8), dbSNP rs373582820, ClinGen allele CA5014283.
Genomic context (GRCh38, chr9:26,910,428, plus strand): 5'-ATGTGACAGCCTCTTTTTTAGGGAAATAAATATTCATTGTTTTAGATGCAGCTGATCGGT[A>G]GGCACTATTCCCTATTTAAAGAATAGAAGATGATGATAATCACAAGGAGTGATCAAAAAT-3'
Protein context (NP_001026859.1, residues 513-533): GVDPFTGNSA[Tyr523His]RSAASKTMNI